The following is an entry in ClinVar:

NM_000891.3(KCNJ2):c.973C>G (p.Arg325Gly)

Gene: KCNJ2 (potassium inwardly rectifying channel subfamily J member 2; plus strand). Cytogenetic location: 17q24.3.
Variant type: single nucleotide variant.
Coding change: c.973C>G on transcript NM_000891.3 (MANE Select); coding-DNA position 973, C replaced by G.
Protein change: p.Arg325Gly; replaces arginine 325 with glycine.
Molecular consequence: missense variant.
Genome position (GRCh38, 1-based): chr17:70,176,012, C>G. VCF-style: chr17-70176012-C-G. GRCh37 (hg19) VCF-style: chr17-68172153-C-G.
Other names: short protein forms R325G.
Identifiers: ClinVar variation 4783748 (VCV004783748.1).
Genomic context (GRCh38, chr17:70,176,012, plus strand): 5'-ACTGCCATGACGACACAGTGCCGTAGCTCTTATCTAGCAAATGAAATCCTGTGGGGCCAC[C>G]GCTATGAGCCTGTGCTCTTTGAAGAGAAGCACTACTACAAAGTGGACTATTCCAGGTTCC-3'
Protein context (NP_000882.1, residues 315-335): YLANEILWGH[Arg325Gly]YEPVLFEEKH

ClinVar aggregate classification (germline): Uncertain significance (1 of 4 stars; one submission).

Conditions:
Short QT syndrome type 3. Identifiers: Orphanet 51083, MedGen C1865018, MONDO:0012314, OMIM 609622.
Andersen Tawil syndrome (LQT7). Also called: Potassium-sensitive periodic paralysis, ventricular ectopy, and dysmorphic features; ANDERSEN CARDIODYSRHYTHMIC PERIODIC PARALYSIS; LONG QT SYNDROME 7; PERIODIC PARALYSIS, POTASSIUM-SENSITIVE CARDIODYSRHYTHMIC TYPE; Andersen Syndrome. Identifiers: Orphanet 37553, MedGen C1563715, MONDO:0008222, OMIM 170390.

Submission:

Labcorp Genetics (formerly Invitae), Labcorp
Classification: Uncertain significance for Short QT syndrome type 3; Andersen Tawil syndrome. Last evaluated: 2025-05-27. Review status: criteria provided, single submitter. Criteria: Invitae Variant Classification Sherloc (09022015). Collection method: clinical testing. Allele origin: germline.
Comment: This sequence change replaces arginine, which is basic and polar, with glycine, which is neutral and non-polar, at codon 325 of the KCNJ2 protein (p.Arg325Gly). This variant is not present in population databases (gnomAD no frequency). This variant has not been reported in the literature in individuals affected with KCNJ2-related conditions. Invitae Evidence Modeling of protein sequence and biophysical properties (such as structural, functional, and spatial information, amino acid conservation, physicochemical variation, residue mobility, and thermodynamic stability) indicates that this missense variant is expected to disrupt KCNJ2 protein function with a positive predictive value of 95%. In summary, the available evidence is currently insufficient to determine the role of this variant in disease. Therefore, it has been classified as a Variant of Uncertain Significance.